The following is an entry in ClinVar:

ClinVar aggregate classification (germline): Uncertain significance (1 of 4 stars; one submission).

Conditions:
Ehlers-Danlos syndrome, classic type, 1 (EDSCL1). Also called: EHLERS-DANLOS SYNDROME, GRAVIS TYPE; EHLERS-DANLOS SYNDROME, SEVERE CLASSIC TYPE; Ehlers-Danlos syndrome, type 1; Ehlers-Danlos Syndrome, Classic Type, COL5A1-Related; EDS I. Identifiers: MedGen C0268335, MONDO:0019567, OMIM 130000.

Submission:

Labcorp Genetics (formerly Invitae), Labcorp
Classification: Uncertain significance for Ehlers-Danlos syndrome, classic type, 1. Last evaluated: 2024-08-28. Review status: criteria provided, single submitter. Criteria: Invitae Variant Classification Sherloc (09022015). Collection method: clinical testing. Allele origin: germline.
Comment: This sequence change replaces valine, which is neutral and non-polar, with aspartic acid, which is acidic and polar, at codon 177 of the COL5A1 protein (p.Val177Asp). This variant is not present in population databases (gnomAD no frequency). This variant has not been reported in the literature in individuals affected with COL5A1-related conditions. Invitae Evidence Modeling of protein sequence and biophysical properties (such as structural, functional, and spatial information, amino acid conservation, physicochemical variation, residue mobility, and thermodynamic stability) indicates that this missense variant is not expected to disrupt COL5A1 protein function with a negative predictive value of 95%. In summary, the available evidence is currently insufficient to determine the role of this variant in disease. Therefore, it has been classified as a Variant of Uncertain Significance.

NM_000093.5(COL5A1):c.530T>A (p.Val177Asp)

Gene: COL5A1 (collagen type V alpha 1 chain; plus strand). Cytogenetic location: 9q34.3.
Variant type: single nucleotide variant.
Coding change: c.530T>A on transcript NM_000093.5 (MANE Select); coding-DNA position 530, T replaced by A.
Protein change: p.Val177Asp; replaces valine 177 with aspartic acid.
Molecular consequence: missense variant.
Genome position (GRCh38, 1-based): chr9:134,701,209, T>A. VCF-style: chr9-134701209-T-A. GRCh37 (hg19) VCF-style: chr9-137593055-T-A.
Other names: c.530T>A, p.Val177Asp (NM_001278074.1); short protein forms V177D.
Identifiers: ClinVar variation 3635956 (VCV003635956.2).